The following is an entry in ClinVar:

NM_003200.5(TCF3):c.1030C>A (p.His344Asn)

Gene: TCF3 (transcription factor 3; minus strand). Cytogenetic location: 19p13.3.
Variant type: single nucleotide variant.
Coding change: c.1030C>A on transcript NM_003200.5 (MANE Select); coding-DNA position 1030, C replaced by A.
Protein change: p.His344Asn; replaces histidine 344 with asparagine.
Molecular consequence: missense variant.
Genome position (GRCh38, 1-based): chr19:1,621,031, G>T on the plus strand (C>A on the coding strand, the complement: TCF3 is on the minus strand). VCF-style: chr19-1621031-G-T. GRCh37 (hg19) VCF-style: chr19-1621030-G-T.
Other names: c.1030C>A, p.His344Asn (NM_001136139.4, NM_001351778.2, NM_001351779.2); c.1030C>A (NM_003200.3); short protein forms H344N.
Identifiers: ClinVar variation 3609409 (VCV003609409.3).

ClinVar aggregate classification (germline): Uncertain significance. Review status: criteria provided, multiple submitters, no conflicts (2 of 4 stars). 2 submissions from 2 submitters: Uncertain significance (2). Last evaluated 2025-08-14.

Conditions:
Inborn genetic diseases. Identifiers: MedGen C0950123, MeSH D030342.

gnomAD v4.1: 8 of 1,525,512 alleles (0.00052%); highest among the groups gnomAD compares: African/African-American, 0.0083%; no homozygotes.

Submissions (2):

Ambry Genetics
Classification: Uncertain significance for Inborn genetic diseases. Last evaluated: 2025-08-14. Review status: criteria provided, single submitter. Criteria: Ambry Variant Classification Scheme 2023. Collection method: clinical testing. Allele origin: germline.

Labcorp Genetics (formerly Invitae), Labcorp
Classification: Uncertain significance. Last evaluated: 2024-06-21. Review status: criteria provided, single submitter. Criteria: Invitae Variant Classification Sherloc (09022015). Collection method: clinical testing. Allele origin: germline.
Comment: This sequence change replaces histidine, which is basic and polar, with asparagine, which is neutral and polar, at codon 344 of the TCF3 protein (p.His344Asn). The frequency data for this variant in the population databases is considered unreliable, as metrics indicate poor data quality at this position in the gnomAD database. This variant has not been reported in the literature in individuals affected with TCF3-related conditions. Advanced modeling of protein sequence and biophysical properties (such as structural, functional, and spatial information, amino acid conservation, physicochemical variation, residue mobility, and thermodynamic stability) performed at Invitae indicates that this missense variant is not expected to disrupt TCF3 protein function with a negative predictive value of 80%. In summary, the available evidence is currently insufficient to determine the role of this variant in disease. Therefore, it has been classified as a Variant of Uncertain Significance.